The following is an entry in ClinVar:

NM_000489.6(ATRX):c.546A>T (p.Gln182His)

Gene: ATRX (ATRX chromatin remodeler; minus strand). Cytogenetic location: Xq21.1.
Variant type: single nucleotide variant.
Coding change: c.546A>T on transcript NM_000489.6 (MANE Select); coding-DNA position 546, A replaced by T.
Protein change: p.Gln182His; replaces glutamine 182 with histidine.
Molecular consequence: missense variant.
Genome position (GRCh38, 1-based): chrX:77,688,866, T>A on the plus strand (A>T on the coding strand, the complement: ATRX is on the minus strand). VCF-style: chrX-77688866-T-A. GRCh37 (hg19) VCF-style: chrX-76944359-T-A.
Other names: c.432A>T, p.Gln144His (NM_138270.5); short protein forms Q144H, Q182H.
Identifiers: ClinVar variation 1010714 (VCV001010714.11), dbSNP rs375794120, ClinGen allele CA413722562.

ClinVar aggregate classification (germline): Uncertain significance (1 of 4 stars; one submission).

Conditions:
Alpha thalassemia-X-linked intellectual disability syndrome (ATRX). Also called: ALPHA-THALASSEMIA/MENTAL RETARDATION SYNDROME, X-LINKED; ATR, NONDELETION TYPE; ATR-X syndrome; Alpha thalassemia mental retardation syndrome, nondeletion type, X-linked; XLMR hypotonic face syndrome; X-linked alpha-thalassemia-mental retardation syndrome. Identifiers: Orphanet 847, MedGen C1845055, MONDO:0010519, OMIM 301040.

gnomAD v4.1: 4 of 1,211,157 alleles (0.00033%); highest among the groups gnomAD compares: Non-Finnish European, 0.00045%; no homozygotes.

Submission:

Labcorp Genetics (formerly Invitae), Labcorp
Classification: Uncertain significance for Alpha thalassemia-X-linked intellectual disability syndrome. Last evaluated: 2020-01-19. Review status: criteria provided, single submitter. Criteria: Invitae Variant Classification Sherloc (09022015). Collection method: clinical testing. Allele origin: germline.
Comment: In summary, the available evidence is currently insufficient to determine the role of this variant in disease. Therefore, it has been classified as a Variant of Uncertain Significance. Algorithms developed to predict the effect of missense changes on protein structure and function are either unavailable or do not agree on the potential impact of this missense change (SIFT: "Deleterious"; PolyPhen-2: "Probably Damaging"; Align-GVGD: "Class C0"). This variant has not been reported in the literature in individuals with ATRX-related conditions. This variant is not present in population databases (ExAC no frequency). This sequence change replaces glutamine with histidine at codon 182 of the ATRX protein (p.Gln182His). The glutamine residue is highly conserved and there is a small physicochemical difference between glutamine and histidine.